The following is an entry in ClinVar:

ClinVar aggregate classification (germline): Likely pathogenic (1 of 4 stars; one submission).

Conditions:
Autosomal recessive limb-girdle muscular dystrophy type 2J (LGMDR10). Also called: Limb-girdle muscular dystrophy, type 2J; MUSCULAR DYSTROPHY, LIMB-GIRDLE, AUTOSOMAL RECESSIVE 10. Identifiers: Orphanet 140922, MedGen C1837342, MONDO:0012127, OMIM 608807.
Dilated cardiomyopathy 1G (CMD1G). Identifiers: Orphanet 154, MedGen C1858763, MONDO:0011400, OMIM 604145.

Submission:

Labcorp Genetics (formerly Invitae), Labcorp
Classification: Likely pathogenic for Dilated cardiomyopathy 1G; Autosomal recessive limb-girdle muscular dystrophy type 2J. Last evaluated: 2025-04-08. Review status: criteria provided, single submitter. Criteria: Invitae Variant Classification Sherloc (09022015). Collection method: clinical testing. Allele origin: germline.
Comment: This sequence change creates a premature translational stop signal (p.Ser12037*) in the TTN gene. While this is not anticipated to result in nonsense mediated decay, it is expected to create a truncated TTN protein. This variant is not present in population databases (gnomAD no frequency). This variant has not been reported in the literature in individuals affected with TTN-related conditions. Algorithms developed to predict the effect of sequence changes on RNA splicing suggest that this variant may disrupt the consensus splice site. This variant is located in the I band of TTN (PMID: 25589632). Truncating variants in this region have been reported in individuals affected with autosomal recessive centronuclear myopathy (PMID: 23975875, internal data). Truncating variants in this region have also been identified in individuals affected with autosomal dominant dilated cardiomyopathy and/or cardio-related conditions (PMID: 27869827, 32964742, internal data). In summary, the currently available evidence indicates that the variant is pathogenic, but additional data are needed to prove that conclusively. Therefore, this variant has been classified as Likely Pathogenic.

Literature cited by the submitters: PubMed 25589632; PubMed 23975875; PubMed 27869827; PubMed 32964742.

NM_001267550.2(TTN):c.36110C>A (p.Ser12037Ter)

Gene: TTN (titin; minus strand). Cytogenetic location: 2q31.2.
Variant type: single nucleotide variant.
Coding change: c.36110C>A on transcript NM_001267550.2 (MANE Select); coding-DNA position 36110, C replaced by A.
Protein change: p.Ser12037Ter; replaces serine 12037 with a stop codon.
Molecular consequence: nonsense. On other transcripts: intron variant (5).
Genome position (GRCh38, 1-based): chr2:178,664,860, G>T on the plus strand (C>A on the coding strand, the complement: TTN is on the minus strand). VCF-style: chr2-178664860-G-T. GRCh37 (hg19) VCF-style: chr2-179529587-G-T.
Other names: c.13283-22543C>A (NM_003319.4); c.13859-22543C>A (NM_133437.4); c.13658-22543C>A (NM_133432.3); c.31484-1805C>A (NM_133378.4); c.34265-1805C>A (NM_001256850.1); short protein forms S12037*.
Identifiers: ClinVar variation 4789048 (VCV004789048.1).